The following is an entry in ClinVar:

ClinVar aggregate classification (germline): Uncertain significance (1 of 4 stars; one submission).

Conditions:
Myopathy, centronuclear, 2 (CNM2). Also called: MYOTUBULAR MYOPATHY, AUTOSOMAL RECESSIVE. Identifiers: Orphanet 169186, MedGen CN031787, MONDO:0009709, OMIM 255200.

Submission:

Labcorp Genetics (formerly Invitae), Labcorp
Classification: Uncertain significance for Myopathy, centronuclear, 2. Last evaluated: 2024-07-26. Review status: criteria provided, single submitter. Criteria: Invitae Variant Classification Sherloc (09022015). Collection method: clinical testing. Allele origin: germline.
Comment: This sequence change replaces aspartic acid, which is acidic and polar, with glycine, which is neutral and non-polar, at codon 135 of the BIN1 protein (p.Asp135Gly). This variant is not present in population databases (gnomAD no frequency). This variant has not been reported in the literature in individuals affected with BIN1-related conditions. Advanced modeling of protein sequence and biophysical properties (such as structural, functional, and spatial information, amino acid conservation, physicochemical variation, residue mobility, and thermodynamic stability) performed at Invitae indicates that this missense variant is expected to disrupt BIN1 protein function with a positive predictive value of 80%. In summary, the available evidence is currently insufficient to determine the role of this variant in disease. Therefore, it has been classified as a Variant of Uncertain Significance.

NM_139343.3(BIN1):c.404A>G (p.Asp135Gly)

Gene: BIN1 (bridging integrator 1; minus strand). Cytogenetic location: 2q14.3.
Variant type: single nucleotide variant.
Coding change: c.404A>G on transcript NM_139343.3 (MANE Select); coding-DNA position 404, A replaced by G.
Protein change: p.Asp135Gly; replaces aspartic acid 135 with glycine.
Molecular consequence: missense variant.
Genome position (GRCh38, 1-based): chr2:127,070,002, T>C on the plus strand (A>G on the coding strand, the complement: BIN1 is on the minus strand). VCF-style: chr2-127070002-T-C. GRCh37 (hg19) VCF-style: chr2-127827578-T-C.
Other names: c.404A>G, p.Asp135Gly (NM_001320632.2, NM_001320633.2, NM_001320640.2 and 10 more transcripts); c.332A>G, p.Asp111Gly (NM_001320634.1); c.323A>G, p.Asp108Gly (NM_001320642.1); short protein forms D111G, D135G, D108G.
Identifiers: ClinVar variation 3660666 (VCV003660666.2).